The following is an entry in ClinVar:

NM_000212.3(ITGB3):c.1426A>G (p.Asn476Asp)

Gene: ITGB3 (integrin subunit beta 3; plus strand). Cytogenetic location: 17q21.32.
Variant type: single nucleotide variant.
Coding change: c.1426A>G on transcript NM_000212.3 (MANE Select); coding-DNA position 1426, A replaced by G.
Protein change: p.Asn476Asp; replaces asparagine 476 with aspartic acid.
Molecular consequence: missense variant.
Genome position (GRCh38, 1-based): chr17:47,292,304, A>G. VCF-style: chr17-47292304-A-G. GRCh37 (hg19) VCF-style: chr17-45369670-A-G.
Other names: short protein forms N476D.
Identifiers: ClinVar variation 3649710 (VCV003649710.2).
Genomic context (GRCh38, chr17:47,292,304, plus strand): 5'-ACCTTTGATTGTGACTGTGCCTGCCAGGCCCAAGCTGAACCTAATAGCCATCGCTGCAAC[A>G]ATGGCAATGGGACCTTTGAGTGTGGGGTATGCCGTTGTGGGCCTGGCTGGCTGGGATCCC-3'
Protein context (NP_000203.2, residues 466-486): QAEPNSHRCN[Asn476Asp]GNGTFECGVC

ClinVar aggregate classification (germline): Uncertain significance (1 of 4 stars; one submission).

Submission:

Labcorp Genetics (formerly Invitae), Labcorp
Classification: Uncertain significance. Last evaluated: 2024-04-25. Review status: criteria provided, single submitter. Criteria: Invitae Variant Classification Sherloc (09022015). Collection method: clinical testing. Allele origin: germline.
Comment: This sequence change replaces asparagine, which is neutral and polar, with aspartic acid, which is acidic and polar, at codon 476 of the ITGB3 protein (p.Asn476Asp). This variant is not present in population databases (gnomAD no frequency). This variant has not been reported in the literature in individuals affected with ITGB3-related conditions. An algorithm developed to predict the effect of missense changes on protein structure and function (PolyPhen-2) suggests that this variant is likely to be tolerated. In summary, the available evidence is currently insufficient to determine the role of this variant in disease. Therefore, it has been classified as a Variant of Uncertain Significance.